The following is an entry in ClinVar:

ClinVar aggregate classification (germline): Pathogenic (1 of 4 stars; one submission).

Conditions:
Hereditary spastic paraplegia 4. Also called: Spastic Paraplegia 4; Spastic paraplegia 4, autosomal dominant; Familial spastic paraplegia autosomal dominant 2. Identifiers: Orphanet 100985, MedGen C1866855, MONDO:0008438, OMIM 182601.

Submission:

Labcorp Genetics (formerly Invitae), Labcorp
Classification: Pathogenic for Hereditary spastic paraplegia 4. Last evaluated: 2016-07-26. Review status: criteria provided, single submitter. Criteria: Invitae Variant Classification Sherloc (09022015). Collection method: clinical testing. Allele origin: germline.
Comment: This variant is a gross deletion of the genomic region encompassing exon 1 of the SPAST gene, which includes the initiator codon. The 5' end of this event is unknown as it extends beyond the assayed region for this gene and therefore may encompass additional genes. The 3' boundary is likely confined to intron 1 of the SPAST gene. This is expected to result in an absent or disrupted protein product. Loss-of-function variants in SPAST are known to be pathogenic. This particular variant has been reported in the literature in multiple individuals affected with HSP and segregated with disease in several affected families (PMID: 15637712, 17098887, 22203332, 24451228, 24824479). For these reasons, this variant has been classified as Pathogenic.

NC_000002.12:g.(?_32063611)_(32064246_?)del

Gene: SPAST (spastin; plus strand). Cytogenetic location: 2p22.3.
Variant type: Deletion.
Identifiers: ClinVar variation 417454 (VCV000417454.1).